The following is an entry in ClinVar:

NM_004530.6(MMP2):c.1573G>A (p.Glu525Lys)

Gene: MMP2 (matrix metallopeptidase 2; plus strand). Cytogenetic location: 16q12.2.
Variant type: single nucleotide variant.
Coding change: c.1573G>A on transcript NM_004530.6 (MANE Select); coding-DNA position 1573, G replaced by A.
Protein change: p.Glu525Lys; replaces glutamic acid 525 with lysine.
Molecular consequence: missense variant.
Genome position (GRCh38, 1-based): chr16:55,497,026, G>A. VCF-style: chr16-55497026-G-A. GRCh37 (hg19) VCF-style: chr16-55530938-G-A.
Other names: c.1423G>A, p.Glu475Lys (NM_001127891.3); c.1345G>A, p.Glu449Lys (NM_001302508.1, NM_001302509.2, NM_001302510.2); short protein forms E449K, E475K, E525K.
Identifiers: ClinVar variation 2183676 (VCV002183676.4), dbSNP rs766384293, ClinGen allele CA8060498.
Genomic context (GRCh38, chr16:55,497,026, plus strand): 5'-GGGCCCCTGCTGGTGGCCACATTCTGGCCTGAGCTCCCGGAAAAGATTGATGCGGTATAC[G>A]AGGCCCCACAGGAGGAGAAGGCTGTGTTCTTTGCAGGTGTGTGGGAAGCACCCTTCCTTG-3'
Protein context (NP_004521.1, residues 515-535): ELPEKIDAVY[Glu525Lys]APQEEKAVFF

ClinVar aggregate classification (germline): Uncertain significance (1 of 4 stars; one submission).

Allele frequency attached by ClinVar (database versions not stated): gnomAD exomes below 0.00001; gnomAD 0.00001; TOPMed 0.00001; ExAC 0.00002.
gnomAD v4.1: 3 of 1,614,018 alleles (0.00019%); highest among the groups gnomAD compares: African/African-American, 0.0013%; no homozygotes.

Submission:

Labcorp Genetics (formerly Invitae), Labcorp
Classification: Uncertain significance. Last evaluated: 2022-07-18. Review status: criteria provided, single submitter. Criteria: Invitae Variant Classification Sherloc (09022015). Collection method: clinical testing. Allele origin: germline.
Comment: This sequence change replaces glutamic acid, which is acidic and polar, with lysine, which is basic and polar, at codon 525 of the MMP2 protein (p.Glu525Lys). In summary, the available evidence is currently insufficient to determine the role of this variant in disease. Therefore, it has been classified as a Variant of Uncertain Significance. Algorithms developed to predict the effect of missense changes on protein structure and function are either unavailable or do not agree on the potential impact of this missense change (SIFT: "Tolerated"; PolyPhen-2: "Possibly Damaging"; Align-GVGD: "Class C0"). This variant has not been reported in the literature in individuals affected with MMP2-related conditions. This variant is present in population databases (rs766384293, gnomAD 0.007%).